The following is an entry in ClinVar:

ClinVar aggregate classification (germline): Pathogenic (1 of 4 stars; one submission).

Submission:

CeGaT Center for Human Genetics Tuebingen
Classification: Pathogenic. Last evaluated: 2026-08-01. Review status: criteria provided, single submitter. Criteria: CeGaT Center For Human Genetics Tuebingen Variant Classification Criteria Version 2. Collection method: clinical testing. Allele origin: germline. Affected: yes. Observed: 1 variant allele.
Comment: KIF14: PVS1, PM2

NM_014875.3(KIF14):c.254_255dup (p.Gly86Ter)

Gene: KIF14 (kinesin family member 14; minus strand). Cytogenetic location: 1q32.1.
Variant type: Duplication.
Coding change: c.254_255dup on transcript NM_014875.3 (MANE Select); coding-DNA positions 254 to 255, 2 bases duplicated (TA; older notation c.254_255dupTA).
Protein change: p.Gly86Ter; replaces glycine 86 with a stop codon.
Molecular consequence: nonsense. On other transcripts: 5 prime UTR variant (1).
Genome position (GRCh38, 1-based): chr1:200,618,469-200,618,470, TA duplicated on the plus strand (TA on the coding strand, the reverse complement: KIF14 is on the minus strand). VCF-style (leftmost placement, unchanged base first): chr1-200618468-C-CTA. GRCh37 (hg19) VCF-style: chr1-200587596-C-CTA.
Other names: c.-1132_-1131dup (NM_001305792.1); short protein forms G86*.
Identifiers: ClinVar variation 5040645 (VCV005040645.1).